The following is an entry in ClinVar:

ClinVar aggregate classification (germline): Likely pathogenic. Review status: reviewed by expert panel (3 of 4 stars). 5 submissions from 5 submitters: Likely pathogenic (1). 4 of the submissions do not count toward it. Last evaluated 2026-09-22.

Conditions:
RPE65-related recessive retinopathy. Also called: Recessive RPE65 retinopathy. Identifiers: MedGen CN305526, MONDO:0100368.
Leber congenital amaurosis (LCA). Also called: Leber's amaurosis. Identifiers: Orphanet 65, MedGen C0339527, MeSH D057130, MONDO:0018998.
Leber congenital amaurosis 2 (LCA2). Also called: Autosomal Recessive RPE65-Related Retinal Degeneration; AMAUROSIS CONGENITA OF LEBER II. Identifiers: Orphanet 65, MedGen C1859844, MONDO:0008765, OMIM 204100. Disease mechanism: loss of function.

Allele frequency attached by ClinVar (database versions not stated): gnomAD exomes below 0.00001.
gnomAD v4.1: 4 of 1,613,770 alleles (0.00025%); highest among the groups gnomAD compares: South Asian, 0.0044%; no homozygotes.

Submissions (5):

ClinGen Leber Congenital Amaurosis/early Onset Retinal Dystrophy Variant Curation Expert Panel, ClinGen
Classification: Likely pathogenic for RPE65-related recessive retinopathy. Last evaluated: 2026-09-22. Review status: reviewed by expert panel. Criteria: ClinGen LCAeoRD ACMG Specifications RPE65 V1.0.0. Collection method: curation. Allele origin: germline. Inheritance: Autosomal recessive inheritance.
Comment: NM_000329.3(RPE65):c.859G>T (p.Val287Phe) is both a missense variant, changing the valine at position 287 to phenylalanine, and a possible splicing variant, located at the first nucleotide of exon 9. SpliceAI's highest score is for Acceptor Loss, at 0.07, predicting a non-deleterious effect on splicing. The computational predictor REVEL has a score of 0.887, which is above the ClinGen LCA / eoRD VCEP threshold of ≥ 0.774 and predicts a damaging effect on RPE65 function (PP3_moderate). This variant is present in gnomAD v.4.1.1 at a GrpMax allele frequency of 0.00001426, with 4 alleles / 1613770 total alleles in the South Asian population, which is lower than the ClinGen LCA / eoRD VCEP PM2_Supporting threshold of <0.0002 (PM2_Supporting). At least one proband harboring this variant exhibits a phenotype including diagnosis of LCA (0.5 pts) and significant improvement after gene therapy treatment (8 pts), which together are highly specific for RPE65-related recessive retinopathy (8.5 points, PMID: 21911650 , PP4_Moderate). This variant has been reported in at least 2 unrelated probands with early-onset severe retinal dystrophy who were homozygous for the variant (1 point, PMIDs: 18722466, 21911650). This variant has also been reported in at least 1 proband with early-onset severe retinal dystrophy who was compound heterozygous with the NM_000329.3(RPE65):c.938A>G (p.His313Arg) variant confirmed in trans (1 point, VCEP member-provided data), which was previously classified pathogenic by the ClinGen LCA/eoRD VCEP (2 total points, PM3_Strong). In summary, this variant meets the criteria to be classified as Likely Pathogenic for RPE65-related recessive retinopathy based on the ACMG/AMP criteria applied, as specified by the ClinGen LCA/eoRD VCEP: PP3_Moderate, PM2_Supporting, PP4_Moderate, and PM3_Strong. (VCEP specifications version 1.0.0)

Women's Health and Genetics/Laboratory Corporation of America, LabCorp
Classification: Pathogenic for Leber congenital amaurosis. Last evaluated: 2025-10-07. Review status: criteria provided, single submitter. Criteria: LabCorp Variant Classification Summary - May 2015. Collection method: clinical testing. Allele origin: germline. Not counted in ClinVar's aggregate classification.
Comment: Variant summary: RPE65 c.859G>T (p.Val287Phe) results in a non-conservative amino acid change in the encoded protein sequence. Algorithms developed to predict the effect of missense changes on protein structure and function all suggest that this variant is likely to be disruptive. Several computational tools predict a significant impact on normal splicing: Two predict the variant abolishes a 3' acceptor site. One predict the variant weakens a 3' acceptor site. However, these predictions have yet to be confirmed by functional studies. The variant was absent in 251028 control chromosomes. c.859G>T has been observed in multiple homozygous individuals affected with Leber congenital amaurosis (Lotery_2000, Bereta_2008, Lin_2024). These data indicate that the variant is very likely to be associated with disease. To our knowledge, no experimental evidence demonstrating an impact on protein function has been reported. The following publications have been ascertained in the context of this evaluation (PMID: 18722466, 36648511, 38219857, 10766140, 33749171). ClinVar contains an entry for this variant (Variation ID: 98895). Based on the evidence outlined above, the variant was classified as pathogenic.

Baylor Genetics
Classification: Likely pathogenic for Leber congenital amaurosis 2. Last evaluated: 2023-01-27. Review status: criteria provided, single submitter. Criteria: ACMG Guidelines, 2015. Collection method: clinical testing. Allele origin: unknown. Not counted in ClinVar's aggregate classification.

Institute of Human Genetics, University of Leipzig Medical Center
Classification: Pathogenic for Leber congenital amaurosis 2. Last evaluated: 2022-04-21. Review status: criteria provided, single submitter. Criteria: ACMG Guidelines, 2015. Collection method: clinical testing. Allele origin: maternal. Affected: yes. Not counted in ClinVar's aggregate classification.
Comment: _x000D_ Criteria applied: PVS1, PM3, PM2_SUP

Retina International
No classification provided. Review status: no classification provided. Collection method: not provided. Allele origin: not provided. Not counted in ClinVar's aggregate classification.

Literature cited by the submitters: PubMed 33749171 (cited by Women's Health and Genetics/Laboratory Corporation of America, LabCorp); PubMed 10766140 (cited by Women's Health and Genetics/Laboratory Corporation of America, LabCorp); PubMed 36648511 (cited by Women's Health and Genetics/Laboratory Corporation of America, LabCorp); PubMed 38219857 (cited by Women's Health and Genetics/Laboratory Corporation of America, LabCorp); PubMed 18722466 (cited by Women's Health and Genetics/Laboratory Corporation of America, LabCorp).

NM_000329.3(RPE65):c.859G>T (p.Val287Phe)

Gene: RPE65 (retinoid isomerohydrolase RPE65; minus strand). Cytogenetic location: 1p31.3.
Variant type: single nucleotide variant.
Coding change: c.859G>T on transcript NM_000329.3 (MANE Select); coding-DNA position 859, G replaced by T.
Protein change: p.Val287Phe; replaces valine 287 with phenylalanine.
Molecular consequence: missense variant.
Genome position (GRCh38, 1-based): chr1:68,439,081, C>A on the plus strand (G>T on the coding strand, the complement: RPE65 is on the minus strand). VCF-style: chr1-68439081-C-A. GRCh37 (hg19) VCF-style: chr1-68904764-C-A.
Other names: NM_000329.3(RPE65):c.859G>T; short protein forms V287F.
Identifiers: ClinVar variation 98895 (VCV000098895.6), dbSNP rs281865289, ClinGen allele CA226585.
Genomic context (GRCh38, chr1:68,439,081, plus strand): 5'-AAGTTCTGTATTTATTATTGAGGTACTTTTTCCTTTTTTTGTCAGCAATATGAAGCCAAA[C>A]CTTGAAAAATGAGGAAAATATTTTGATGCATTTAAAAAGGAAAAAAGTGTACATTATTAA-3'
Protein context (NP_000320.1, residues 277-297): DCFESNETMG[Val287Phe]WLHIADKKRK